The following is an entry in ClinVar:

NM_020831.6(MRTFA):c.1426C>T (p.Arg476Cys)

Gene: MRTFA (myocardin related transcription factor A; minus strand). Cytogenetic location: 22q13.1.
Variant type: single nucleotide variant.
Coding change: c.1426C>T on transcript NM_020831.6 (MANE Select); coding-DNA position 1426, C replaced by T.
Protein change: p.Arg476Cys; replaces arginine 476 with cysteine.
Molecular consequence: missense variant.
Genome position (GRCh38, 1-based): chr22:40,419,312, G>A on the plus strand (C>T on the coding strand, the complement: MRTFA is on the minus strand). VCF-style: chr22-40419312-G-A. GRCh37 (hg19) VCF-style: chr22-40815316-G-A.
Other names: c.1126C>T, p.Arg376Cys (NM_001282660.2); c.1276C>T, p.Arg426Cys (NM_001282661.3); c.1426C>T, p.Arg476Cys (NM_001282662.3); c.1231C>T, p.Arg411Cys (NM_001318139.2); c.1126C>T (NM_020831.3); short protein forms R426C, R476C, R411C, R376C.
Identifiers: ClinVar variation 3696671 (VCV003696671.3).
Genomic context (GRCh38, chr22:40,419,312, plus strand): 5'-CGGCAGGGGCCTTGGGGGCTCCTGGCACAGGGCTGATTTGGTCTTGATAGGCTCGAAGGC[G>A]CTCAATCAGCTCAGTTTTGGTGCCCGAGACAGGCAGTGATCGCAACTTCAGCTCCTGCTT-3'
Protein context (NP_065882.2, residues 466-486): VSGTKTELIE[Arg476Cys]LRAYQDQISP

ClinVar aggregate classification (germline): Uncertain significance. Review status: criteria provided, multiple submitters, no conflicts (2 of 4 stars). 2 submissions from 2 submitters: Uncertain significance (2). Last evaluated 2025-11-26.

gnomAD v4.1: 26 of 1,613,938 alleles (0.0016%); highest among the groups gnomAD compares: East Asian, 0.0045%; no homozygotes.

Submissions (2):

Ambry Genetics
Classification: Uncertain significance. Last evaluated: 2025-11-26. Review status: criteria provided, single submitter. Criteria: Ambry Variant Classification Scheme 2023. Collection method: clinical testing. Allele origin: germline.

Labcorp Genetics (formerly Invitae), Labcorp
Classification: Uncertain significance. Last evaluated: 2024-10-09. Review status: criteria provided, single submitter. Criteria: Invitae Variant Classification Sherloc (09022015). Collection method: clinical testing. Allele origin: germline.
Comment: This sequence change replaces arginine, which is basic and polar, with cysteine, which is neutral and slightly polar, at codon 376 of the MKL1 protein (p.Arg376Cys). This variant is present in population databases (no rsID available, gnomAD 0.0009%). This variant has not been reported in the literature in individuals affected with MKL1-related conditions. An algorithm developed to predict the effect of missense changes on protein structure and function (PolyPhen-2) suggests that this variant is likely to be disruptive. In summary, the available evidence is currently insufficient to determine the role of this variant in disease. Therefore, it has been classified as a Variant of Uncertain Significance.